The following is an entry in ClinVar:

NM_001267550.2(TTN):c.20868G>A (p.Pro6956=)

Genes: TTN (titin; minus strand), LOC126806428 (BRD4-independent group 4 enhancer GRCh37_chr2:179588362-179589561; plus strand). Cytogenetic location: 2q31.2.
Variant type: single nucleotide variant.
Coding change: c.20868G>A on transcript NM_001267550.2 (MANE Select); coding-DNA position 20868, G replaced by A.
Protein change: p.Pro6956=; no amino-acid change (proline 6956 retained).
Molecular consequence: synonymous variant. On other transcripts: intron variant (3).
Genome position (GRCh38, 1-based): chr2:178,724,507, C>T on the plus strand (G>A on the coding strand, the complement: TTN is on the minus strand). VCF-style: chr2-178724507-C-T. GRCh37 (hg19) VCF-style: chr2-179589234-C-T.
Other names: c.19917G>A, p.Pro6639= (NM_001256850.1); c.17136G>A, p.Pro5712= (NM_133378.4); c.13282+13575G>A (NM_003319.4); c.13858+13575G>A (NM_133437.4); c.13657+13575G>A (NM_133432.3).
Identifiers: ClinVar variation 466886 (VCV000466886.30), dbSNP rs367929968, ClinGen allele CA2001123.

ClinVar aggregate classification (germline): Likely benign. Review status: criteria provided, multiple submitters, no conflicts (2 of 4 stars). 6 submissions from 6 submitters: Likely benign (6). Last evaluated 2026-02-01.

Conditions:
TTN-related disorder. Also called: TTN-related disorders; TTN-related condition; TTN-related disease.
Dilated cardiomyopathy 1G (CMD1G). Identifiers: Orphanet 154, MedGen C1858763, MONDO:0011400, OMIM 604145.
Autosomal recessive limb-girdle muscular dystrophy type 2J (LGMDR10). Also called: Limb-girdle muscular dystrophy, type 2J; MUSCULAR DYSTROPHY, LIMB-GIRDLE, AUTOSOMAL RECESSIVE 10. Identifiers: Orphanet 140922, MedGen C1837342, MONDO:0012127, OMIM 608807.

Allele frequency attached by ClinVar (database versions not stated): gnomAD 0.00004; gnomAD exomes 0.00005; ExAC 0.00007; TOPMed 0.00007; ESP Exome Variant Server 0.00016.
gnomAD v4.1: 118 of 1,605,488 alleles (0.0073%); highest among the groups gnomAD compares: Non-Finnish European, 0.0088%; no homozygotes.

Submissions (6):

Labcorp Genetics (formerly Invitae), Labcorp
Classification: Likely benign for Dilated cardiomyopathy 1G; Autosomal recessive limb-girdle muscular dystrophy type 2J. Last evaluated: 2026-02-01. Review status: criteria provided, single submitter. Criteria: Invitae Variant Classification Sherloc (09022015). Collection method: clinical testing. Allele origin: germline.

Molecular Diagnostic Laboratory for Inherited Cardiovascular Disease, Montreal Heart Institute
Classification: Likely benign. Last evaluated: 2025-07-24. Review status: criteria provided, single submitter. Criteria: ACMG Guidelines, 2015. Collection method: clinical testing. Allele origin: germline. Affected: no.

CeGaT Center for Human Genetics Tuebingen
Classification: Likely benign. Last evaluated: 2025-04-01. Review status: criteria provided, single submitter. Criteria: CeGaT Center For Human Genetics Tuebingen Variant Classification Criteria Version 2. Collection method: clinical testing. Allele origin: germline. Affected: yes. Observed: 2 variant alleles.
Comment: TTN: BP4, BP7

Women's Health and Genetics/Laboratory Corporation of America, LabCorp
Classification: Likely benign. Last evaluated: 2025-03-14. Review status: criteria provided, single submitter. Criteria: LabCorp Variant Classification Summary - May 2015. Collection method: clinical testing. Allele origin: germline.

PreventionGenetics, part of Exact Sciences
Classification: Likely benign for TTN-related condition. Last evaluated: 2025-03-13. Review status: criteria provided, single submitter. Criteria: ACMG Guidelines, 2015. Collection method: clinical testing. Allele origin: germline.
Comment: This variant is classified as likely benign based on ACMG/AMP sequence variant interpretation guidelines (Richards et al. 2015 PMID: 25741868, with internal and published modifications).

Blueprint Genetics
Classification: Likely benign. Last evaluated: 2024-07-29. Review status: criteria provided, single submitter. Criteria: ACMG Guidelines, 2015. Collection method: clinical testing. Allele origin: germline.